The following is an entry in ClinVar:

ClinVar aggregate classification (germline): Uncertain significance (1 of 4 stars; one submission).

Submission:

Labcorp Genetics (formerly Invitae), Labcorp
Classification: Uncertain significance. Last evaluated: 2024-08-27. Review status: criteria provided, single submitter. Criteria: Invitae Variant Classification Sherloc (09022015). Collection method: clinical testing. Allele origin: germline.
Comment: This sequence change replaces aspartic acid, which is acidic and polar, with valine, which is neutral and non-polar, at codon 91 of the BGN protein (p.Asp91Val). This variant is not present in population databases (gnomAD no frequency). This variant has not been reported in the literature in individuals affected with BGN-related conditions. Invitae Evidence Modeling of protein sequence and biophysical properties (such as structural, functional, and spatial information, amino acid conservation, physicochemical variation, residue mobility, and thermodynamic stability) indicates that this missense variant is expected to disrupt BGN protein function with a positive predictive value of 80%. In summary, the available evidence is currently insufficient to determine the role of this variant in disease. Therefore, it has been classified as a Variant of Uncertain Significance.

NM_001711.6(BGN):c.272A>T (p.Asp91Val)

Gene: BGN (biglycan; plus strand). Cytogenetic location: Xq28.
Variant type: single nucleotide variant.
Coding change: c.272A>T on transcript NM_001711.6 (MANE Select); coding-DNA position 272, A replaced by T.
Protein change: p.Asp91Val; replaces aspartic acid 91 with valine.
Molecular consequence: missense variant.
Genome position (GRCh38, 1-based): chrX:153,505,271, A>T. VCF-style: chrX-153505271-A-T. GRCh37 (hg19) VCF-style: chrX-152770729-A-T.
Other names: short protein forms D91V.
Identifiers: ClinVar variation 3663499 (VCV003663499.2).